The following is an entry in ClinVar:

ClinVar aggregate classification (germline): Uncertain significance (1 of 4 stars; one submission).

Conditions:
Idiopathic generalized epilepsy. Also called: Generalised epilepsy; EIG. Identifiers: MedGen C0270850, MONDO:0005579, OMIM 600669.
Hyperaldosteronism, familial, type IV (HALD4). Also called: FH IV; ALDOSTERONISM, PRIMARY, AND HYPERTENSION. Identifiers: Orphanet 642671, MedGen C4310756, MONDO:0014875, OMIM 617027.

gnomAD v4.1: 9 of 1,551,660 alleles (0.00058%); highest among the groups gnomAD compares: Admixed American, 0.0019%; no homozygotes.

Submission:

Labcorp Genetics (formerly Invitae), Labcorp
Classification: Uncertain significance for Idiopathic generalized epilepsy; Hyperaldosteronism, familial, type IV. Last evaluated: 2024-09-17. Review status: criteria provided, single submitter. Criteria: Invitae Variant Classification Sherloc (09022015). Collection method: clinical testing. Allele origin: germline.
Comment: This sequence change replaces glutamic acid, which is acidic and polar, with lysine, which is basic and polar, at codon 1178 of the CACNA1H protein (p.Glu1178Lys). The frequency data for this variant in the population databases is considered unreliable, as metrics indicate poor data quality at this position in the gnomAD database. This variant has not been reported in the literature in individuals affected with CACNA1H-related conditions. Invitae Evidence Modeling of protein sequence and biophysical properties (such as structural, functional, and spatial information, amino acid conservation, physicochemical variation, residue mobility, and thermodynamic stability) indicates that this missense variant is not expected to disrupt CACNA1H protein function with a negative predictive value of 80%. In summary, the available evidence is currently insufficient to determine the role of this variant in disease. Therefore, it has been classified as a Variant of Uncertain Significance.

NM_021098.3(CACNA1H):c.3532G>A (p.Glu1178Lys)

Gene: CACNA1H (calcium voltage-gated channel subunit alpha1 H; plus strand). Cytogenetic location: 16p13.3.
Variant type: single nucleotide variant.
Coding change: c.3532G>A on transcript NM_021098.3 (MANE Select); coding-DNA position 3532, G replaced by A.
Protein change: p.Glu1178Lys; replaces glutamic acid 1178 with lysine.
Molecular consequence: missense variant.
Genome position (GRCh38, 1-based): chr16:1,209,200, G>A. VCF-style: chr16-1209200-G-A. GRCh37 (hg19) VCF-style: chr16-1259200-G-A.
Other names: c.3532G>A, p.Glu1178Lys (NM_001005407.2); short protein forms E1178K.
Identifiers: ClinVar variation 3748979 (VCV003748979.2).